The following is an entry in ClinVar:

ClinVar aggregate classification (germline): Conflicting classifications of pathogenicity. Review status: criteria provided, conflicting classifications (1 of 4 stars). 3 submissions from 3 submitters: Uncertain significance (1); Likely benign (2). Last evaluated 2023-11-24.

Conditions:
Hereditary cancer-predisposing syndrome. Also called: Neoplastic Syndromes, Hereditary; Tumor predisposition; Hereditary Cancer Syndrome; Hereditary neoplastic syndrome. Identifiers: Orphanet 140162, MedGen C0027672, MeSH D009386, MONDO:0015356.
Familial adenomatous polyposis 1 (FAP1). Also called: FAMILIAL ADENOMATOUS POLYPOSIS 1, ATTENUATED; POLYPOSIS, ADENOMATOUS INTESTINAL. Identifiers: MedGen C2713442, MONDO:0021056, OMIM 175100. Disease mechanism: loss of function.

Submissions (3):

Labcorp Genetics (formerly Invitae), Labcorp
Classification: Likely benign for Familial adenomatous polyposis 1. Last evaluated: 2023-11-24. Review status: criteria provided, single submitter. Criteria: Invitae Variant Classification Sherloc (09022015). Collection method: clinical testing. Allele origin: germline.

Quest Diagnostics Nichols Institute San Juan Capistrano
Classification: Uncertain significance. Last evaluated: 2023-06-29. Review status: criteria provided, single submitter. Criteria: Quest Diagnostics criteria. Collection method: clinical testing. Allele origin: unknown.
Comment: To the best of our knowledge, this variant has not been reported in the published literature. It also has not been reported in large, multi-ethnic general populations (Genome Aggregation Database). Analysis of this variant using software algorithms for the prediction of the effect of nucleotide changes on splicing yielded predictions that this variant does not affect APC mRNA splicing . Based on the available information, we are unable to determine the clinical significance of this variant.

Ambry Genetics
Classification: Likely benign for Hereditary cancer-predisposing syndrome. Last evaluated: 2021-08-12. Review status: criteria provided, single submitter. Criteria: Ambry Variant Classification Scheme 2023. Collection method: clinical testing. Allele origin: germline.

NM_000038.6(APC):c.6672C>A (p.Ile2224=)

Gene: APC (APC regulator of Wnt signaling pathway; plus strand). Cytogenetic location: 5q22.2.
Variant type: single nucleotide variant.
Coding change: c.6672C>A on transcript NM_000038.6 (MANE Select); coding-DNA position 6672, C replaced by A.
Protein change: p.Ile2224=; no amino-acid change (isoleucine 2224 retained).
Molecular consequence: synonymous variant. On other transcripts: non-coding transcript variant (2).
Genome position (GRCh38, 1-based): chr5:112,842,266, C>A. VCF-style: chr5-112842266-C-A. GRCh37 (hg19) VCF-style: chr5-112177963-C-A.
Other names: c.6672C>A, p.Ile2224= (NM_001127510.3, NM_001354895.2, NM_001407450.1); c.6618C>A, p.Ile2206= (NM_001127511.3); c.6726C>A, p.Ile2242= (NM_001354896.2, NM_001407447.1, NM_001407448.1 and 1 more transcripts); c.6702C>A, p.Ile2234= (NM_001354897.2); c.6597C>A, p.Ile2199= (NM_001354898.2); c.6588C>A, p.Ile2196= (NM_001354899.2); c.6549C>A, p.Ile2183= (NM_001354900.2); c.6495C>A, p.Ile2165= (NM_001354901.2, NM_001407453.1); and 11 more.
Identifiers: ClinVar variation 1754807 (VCV001754807.6), dbSNP rs1766272355, ClinGen allele CA446209902.